The following continues an entry in ClinVar:

NM_001283009.2(RTEL1):c.2956C>T (p.Arg986Ter)

ClinVar aggregate classification (germline): Pathogenic/Likely pathogenic. Pathogenic (19); Likely pathogenic (1).

Submissions 12 to 25 of 25:

Mayo Clinic Laboratories, Mayo Clinic
Classification: Pathogenic. Last evaluated: 2024-07-03. Review status: criteria provided, single submitter. Criteria: ACMG Guidelines, 2015. Collection method: clinical testing. Allele origin: germline. Observed: 3 variant alleles.
Comment: PP1, PS4, PVS1

Baylor Genetics
Classification: Pathogenic for Dyskeratosis congenita, autosomal recessive 5. Last evaluated: 2024-03-25. Review status: criteria provided, single submitter. Criteria: ACMG Guidelines, 2015. Collection method: clinical testing. Allele origin: unknown.

CeGaT Center for Human Genetics Tuebingen
Classification: Pathogenic. Last evaluated: 2024-01-01. Review status: criteria provided, single submitter. Criteria: CeGaT Center For Human Genetics Tuebingen Variant Classification Criteria Version 2. Collection method: clinical testing. Allele origin: germline. Affected: yes. Observed: 2 variant alleles.
Comment: RTEL1: PVS1, PS4:Moderate

GeneDx
Classification: Pathogenic. Last evaluated: 2023-12-29. Review status: criteria provided, single submitter. Criteria: GeneDx Variant Classification Process June 2021. Collection method: clinical testing. Allele origin: germline. Affected: yes.
Comment: Nonsense variant predicted to result in protein truncation or nonsense mediated decay in a gene for which loss-of-function is a known mechanism of disease; Also known as R986X; This variant is associated with the following publications: (PMID: 25607374, 27128385, 29146883, 28099038, 25940403, 25244922, 29344583, 28495916, 28930861, 30523160, 28104920, 31785789, 23329068)

Revvity Omics, Revvity
Classification: Pathogenic. Last evaluated: 2023-06-23. Review status: criteria provided, single submitter. Criteria: ACMG Guidelines, 2015. Collection method: clinical testing. Allele origin: germline.

Fulgent Genetics
Classification: Pathogenic for Dyskeratosis congenita, autosomal recessive 5; Pulmonary fibrosis and/or bone marrow failure, Telomere-related, 3. Last evaluated: 2022-05-04. Review status: criteria provided, single submitter. Criteria: ACMG Guidelines, 2015. Collection method: clinical testing. Allele origin: unknown.

Victorian Clinical Genetics Services, Murdoch Childrens Research Institute
Classification: Pathogenic for Dyskeratosis congenita, autosomal recessive 5. Last evaluated: 2020-05-21. Review status: criteria provided, single submitter. Criteria: ACMG Guidelines, 2015. Collection method: clinical testing. Allele origin: germline. Inheritance: Autosomal dominant inheritance. Affected: yes.
Comment: A heterozygous nonsense variant was identified, NM_016434.3(RTEL1):c.2956C>T in exon 30 of 35 of the RTEL1 gene. This nonsense variant is predicted to create a change of an arginine to a stop at amino acid position 986 of the protein; NP_057518.1(RTEL1):p.(Arg986*), resulting in the loss of normal protein function through nonsense-mediated decay (NMD). The variant is present in the gnomAD population database at a global population frequency of 0.008% (22 heterozygotes; 0 homozygotes) with a European (Finnish) sub-population frequency of 0.03%. The variant has been previously reported in patients with RTEL1-related disorders, and has been shown to have incomplete penetrance and variable expressivity (ClinVar, Ballew, B. et al. (2013), Moriya, K. et al. (2016), Cardoso, S. et al. (2017), Petrovski, S. et al. (2017), Petersen, B. et al. (2017), Marsh, J. et al. (2018)). In addition, studies have shown that individuals with this variant have shortened telomeres (Ballew, B. et al. (2013), Cardoso, S. et al. (2017)). Other variants predicted to cause NMD have also been reported as pathogenic (ClinVar). Based on information available at the time of curation, this variant has been classified as PATHOGENIC.

Women's Health and Genetics/Laboratory Corporation of America, LabCorp
Classification: Likely pathogenic for Dyskeratosis congenita. Last evaluated: 2016-06-16. Review status: criteria provided, single submitter. Criteria: LabCorp Variant Classification Summary - May 2015. Collection method: clinical testing. Allele origin: germline.
Comment: Variant summary: The RTEL1 c.3028C>T (p.Arg1010X) variant results in a premature termination codon, predicted to cause a truncated or absent RTEL1 protein due to nonsense mediated decay, which are commonly known mechanisms for disease. A protein truncation would result in the loss of the PCNA (proliferating cell nuclear antigen) interacting protein (PIP) motif. This variant was found in 10/119716 control chromosomes at a frequency of 0.0000835, which does not exceed the estimated maximal expected allele frequency of a pathogenic RTEL1 variant (0.001118). The variant has been reported in three patients with Dyskeratosis congenital, two were siblings from a family who had this maternally transmitted variant in heterozygous state (other mutation was not identified by WES, but MLPA was not carried out) and another was compound heterozygous with p.Ile449Thr. Additionally, multiple clinical diagnostic laboratories/reputable databases classified this variant as likely pathogenic/pathogenic. Taken together, this variant is classified as Likely Pathogenic.

Genetic Services Laboratory, University of Chicago
Classification: Pathogenic for Dyskeratosis congenita. Last evaluated: 2016-03-22. Review status: criteria provided, single submitter. Criteria: ACMG Guidelines, 2015. Collection method: clinical testing. Allele origin: germline. Affected: yes.

Garcia Pulmonary Genetics Research Laboratory, Columbia University Irving Medical Center
Classification: Pathogenic for Pulmonary fibrosis. Last evaluated: 2022-06-09. Review status: no assertion criteria provided. Collection method: research. Allele origin: germline. Affected: yes. Not counted in ClinVar's aggregate classification.
Comment: Leukocyte telomere length (by qPCR) less than 10th percentile age-adjusted

Counsyl
Classification: Likely pathogenic for Dyskeratosis congenita, autosomal recessive 5. Last evaluated: 2017-01-25. Review status: no assertion criteria provided. Collection method: clinical testing. Allele origin: unknown. Not counted in ClinVar's aggregate classification.

OMIM
Classification: Pathogenic for DYSKERATOSIS CONGENITA, AUTOSOMAL DOMINANT 4. Last evaluated: 2013-04-01. Review status: no assertion criteria provided. Collection method: literature only. Allele origin: germline. Not counted in ClinVar's aggregate classification.

Clinical Genetics DNA and cytogenetics Diagnostics Lab, Erasmus MC, Erasmus Medical Center
Classification: Pathogenic. Review status: no assertion criteria provided. Collection method: clinical testing. Allele origin: germline. Affected: yes. Study: VKGL Data-share Consensus. Not counted in ClinVar's aggregate classification.

Joint Genome Diagnostic Labs from Nijmegen and Maastricht, Radboudumc and MUMC+
Classification: Pathogenic. Review status: no assertion criteria provided. Collection method: clinical testing. Allele origin: germline. Affected: yes. Study: VKGL Data-share Consensus. Not counted in ClinVar's aggregate classification.

Literature cited by the submitters: PubMed 37951311 (cited by Dasa); PubMed 36622818 (cited by Dasa); PubMed 36769106 (cited by Dasa and Mayo Clinic Laboratories, Mayo Clinic); PubMed 23329068 (cited by 9 submitters); PubMed 28099038 (cited by 5 submitters); PubMed 29344583 (cited by 5 submitters); PubMed 30523160 (cited by 3 submitters); PubMed 28495916 (cited by 3 submitters); PubMed 31910222 (cited by Johns Hopkins Genomics, Johns Hopkins University); PubMed 39198715 (cited by Natera, Inc.); PubMed 27128385 (cited by 4 submitters); PubMed 23453664 (cited by Labcorp Genetics (formerly Invitae), Labcorp); PubMed 23959892 (cited by Labcorp Genetics (formerly Invitae), Labcorp); PubMed 25607374 (cited by Labcorp Genetics (formerly Invitae), Labcorp); PubMed 28930861 (cited by 3 submitters); PubMed 25326637 (cited by Mayo Clinic Laboratories, Mayo Clinic); PubMed 28104920 (cited by Mayo Clinic Laboratories, Mayo Clinic); PubMed 29146883 (cited by Mayo Clinic Laboratories, Mayo Clinic); PubMed 31785789 (cited by Mayo Clinic Laboratories, Mayo Clinic); PubMed 33057194 (cited by Mayo Clinic Laboratories, Mayo Clinic).